The following is an entry in ClinVar:

NM_030962.4(SBF2):c.3674C>A (p.Ser1225Tyr)

Gene: SBF2 (SET binding factor 2; minus strand). Cytogenetic location: 11p15.4.
Variant type: single nucleotide variant.
Coding change: c.3674C>A on transcript NM_030962.4 (MANE Select); coding-DNA position 3674, C replaced by A.
Protein change: p.Ser1225Tyr; replaces serine 1225 with tyrosine.
Molecular consequence: missense variant.
Genome position (GRCh38, 1-based): chr11:9,829,475, G>T on the plus strand (C>A on the coding strand, the complement: SBF2 is on the minus strand). VCF-style: chr11-9829475-G-T. GRCh37 (hg19) VCF-style: chr11-9851022-G-T.
Other names: c.3674C>A, p.Ser1225Tyr (NM_001386339.1); c.3545C>A, p.Ser1182Tyr (NM_001386342.1); short protein forms S1225Y, S1182Y.
Identifiers: ClinVar variation 948795 (VCV000948795.7), dbSNP rs759215256, ClinGen allele CA5881191.

ClinVar aggregate classification (germline): Uncertain significance (1 of 4 stars; one submission).

Conditions:
Charcot-Marie-Tooth disease type 4. Also called: Charcot-Marie-Tooth, Type 4; Charcot-Marie-Tooth disease, type IV. Identifiers: Orphanet 64749, MedGen C4082197, MONDO:0018995.

Allele frequency attached by ClinVar (database versions not stated): gnomAD exomes below 0.00001.
gnomAD v4.1: 1 of 1,612,480 alleles (0.000062%); no homozygotes.

Submission:

Labcorp Genetics (formerly Invitae), Labcorp
Classification: Uncertain significance for Charcot-Marie-Tooth disease type 4. Last evaluated: 2021-09-01. Review status: criteria provided, single submitter. Criteria: Invitae Variant Classification Sherloc (09022015). Collection method: clinical testing. Allele origin: germline.
Comment: This sequence change replaces serine with tyrosine at codon 1225 of the SBF2 protein (p.Ser1225Tyr). The serine residue is moderately conserved and there is a large physicochemical difference between serine and tyrosine. This variant is present in population databases (rs759215256, ExAC 0.001%). This variant has not been reported in the literature in individuals affected with SBF2-related conditions. Algorithms developed to predict the effect of missense changes on protein structure and function are either unavailable or do not agree on the potential impact of this missense change (SIFT: "Deleterious"; PolyPhen-2: "Possibly Damaging"; Align-GVGD: "Class C0"). In summary, the available evidence is currently insufficient to determine the role of this variant in disease. Therefore, it has been classified as a Variant of Uncertain Significance.